The following is an entry in ClinVar:

NM_000182.5(HADHA):c.507A>G (p.Leu169=)

Gene: HADHA (hydroxyacyl-CoA dehydrogenase trifunctional multienzyme complex subunit alpha; minus strand). Cytogenetic location: 2p23.3.
Variant type: single nucleotide variant.
Coding change: c.507A>G on transcript NM_000182.5 (MANE Select); coding-DNA position 507, A replaced by G.
Protein change: p.Leu169=; no amino-acid change (leucine 169 retained).
Molecular consequence: synonymous variant.
Genome position (GRCh38, 1-based): chr2:26,232,226, T>C on the plus strand (A>G on the coding strand, the complement: HADHA is on the minus strand). VCF-style: chr2-26232226-T-C. GRCh37 (hg19) VCF-style: chr2-26455094-T-C.
Identifiers: ClinVar variation 2650740 (VCV002650740.27), dbSNP rs2465595945, ClinGen allele CA425201264.

ClinVar aggregate classification (germline): Likely benign. Review status: criteria provided, multiple submitters, no conflicts (2 of 4 stars). 2 submissions from 2 submitters: Likely benign (2). Last evaluated 2024-01-29.

Conditions:
Mitochondrial trifunctional protein deficiency. Identifiers: Orphanet 746, MedGen C1969443, MONDO:0012172.
Long chain 3-hydroxyacyl-CoA dehydrogenase deficiency. Also called: Deficiency of long-chain 3-hydroxyacyl-coenzyme A dehydrogenase; LCHAD Deficiency. Identifiers: Orphanet 5, MedGen C3711645, MONDO:0012173, OMIM 609016.

Submissions (2):

Labcorp Genetics (formerly Invitae), Labcorp
Classification: Likely benign for Mitochondrial trifunctional protein deficiency; Long chain 3-hydroxyacyl-CoA dehydrogenase deficiency. Last evaluated: 2024-01-29. Review status: criteria provided, single submitter. Criteria: Invitae Variant Classification Sherloc (09022015). Collection method: clinical testing. Allele origin: germline.

CeGaT Center for Human Genetics Tuebingen
Classification: Likely benign. Last evaluated: 2023-10-01. Review status: criteria provided, single submitter. Criteria: CeGaT Center For Human Genetics Tuebingen Variant Classification Criteria Version 2. Collection method: clinical testing. Allele origin: germline. Affected: yes. Observed: 1 variant allele.
Comment: HADHA: PM2:Supporting, BP4, BP7